The following is an entry in ClinVar:

NM_000048.4(ASL):c.159del (p.Leu54fs)

Gene: ASL (argininosuccinate lyase; plus strand). Cytogenetic location: 7q11.21.
Variant type: Deletion.
Coding change: c.159del on transcript NM_000048.4 (MANE Select); coding-DNA position 159, one base deleted (G; older notation c.159delG).
Protein change: p.Leu54fs; shifts the reading frame from leucine 54.
Molecular consequence: frameshift variant.
Genome position (GRCh38, 1-based): chr7:66,081,949, G deleted; the last of 3 consecutive G bases (chr7:66,081,947-66,081,949); deleting any one gives the same sequence. VCF-style (leftmost placement, unchanged base first): chr7-66081946-AG-A. GRCh37 (hg19) VCF-style: chr7-65546933-AG-A.
Other names: c.159del, p.Leu54fs (NM_001024943.2, NM_001024944.2, NM_001024946.2); short protein forms L54fs.
Identifiers: ClinVar variation 970166 (VCV000970166.7), dbSNP rs1786516110, ClinGen allele CA1139660075.

ClinVar aggregate classification (germline): Pathogenic (1 of 4 stars; one submission).

Conditions:
Argininosuccinate lyase deficiency. Also called: ARGININOSUCCINIC ACID LYASE DEFICIENCY; ASL DEFICIENCY; Argininosuccinic aciduria. Identifiers: Orphanet 23, MedGen C0268547, MONDO:0008815, OMIM 207900, HP:0025630.

Submission:

Labcorp Genetics (formerly Invitae), Labcorp
Classification: Pathogenic for Argininosuccinate lyase deficiency. Last evaluated: 2019-10-11. Review status: criteria provided, single submitter. Criteria: Invitae Variant Classification Sherloc (09022015). Collection method: clinical testing. Allele origin: germline.
Comment: This sequence change creates a premature translational stop signal (p.Leu54Serfs*14) in the ASL gene. It is expected to result in an absent or disrupted protein product. This variant is not present in population databases (ExAC no frequency). This variant has not been reported in the literature in individuals with ASL-related conditions. Loss-of-function variants in ASL are known to be pathogenic (PMID: 2263616, 24166829). For these reasons, this variant has been classified as Pathogenic.

Literature cited by the submitters: PubMed 2263616; PubMed 24166829.